The following is an entry in ClinVar:

ClinVar aggregate classification (germline): Uncertain significance (1 of 4 stars; one submission).

gnomAD v4.1: 3 of 1,614,114 alleles (0.00019%); highest among the groups gnomAD compares: South Asian, 0.0033%; no homozygotes.

Submission:

GeneDx
Classification: Uncertain significance. Last evaluated: 2023-05-03. Review status: criteria provided, single submitter. Criteria: GeneDx Variant Classification Process June 2021. Collection method: clinical testing. Allele origin: germline. Affected: yes.
Comment: Not observed at significant frequency in large population cohorts (gnomAD); In silico analysis supports that this missense variant does not alter protein structure/function; Has not been previously published as pathogenic or benign to our knowledge

NM_000310.4(PPT1):c.505G>T (p.Ala169Ser)

Gene: PPT1 (palmitoyl-protein thioesterase 1; minus strand). Cytogenetic location: 1p34.2.
Variant type: single nucleotide variant.
Coding change: c.505G>T on transcript NM_000310.4 (MANE Select); coding-DNA position 505, G replaced by T.
Protein change: p.Ala169Ser; replaces alanine 169 with serine.
Molecular consequence: missense variant.
Genome position (GRCh38, 1-based): chr1:40,089,441, C>A on the plus strand (G>T on the coding strand, the complement: PPT1 is on the minus strand). VCF-style: chr1-40089441-C-A. GRCh37 (hg19) VCF-style: chr1-40555113-C-A.
Other names: c.196G>T, p.Ala66Ser (NM_001142604.2); c.505G>T, p.Ala169Ser (NM_001363695.2); short protein forms A169S, A66S.
Identifiers: ClinVar variation 3343284 (VCV003343284.1).